The following is an entry in ClinVar:

NM_025137.4(SPG11):c.833A>G (p.Asn278Ser)

Gene: SPG11 (SPG11 vesicle trafficking associated, spatacsin; minus strand). Cytogenetic location: 15q21.1.
Variant type: single nucleotide variant.
Coding change: c.833A>G on transcript NM_025137.4 (MANE Select); coding-DNA position 833, A replaced by G.
Protein change: p.Asn278Ser; replaces asparagine 278 with serine.
Molecular consequence: missense variant.
Genome position (GRCh38, 1-based): chr15:44,657,131, T>C on the plus strand (A>G on the coding strand, the complement: SPG11 is on the minus strand). VCF-style: chr15-44657131-T-C. GRCh37 (hg19) VCF-style: chr15-44949329-T-C.
Other names: p.Asn278Ser; c.833A>G, p.Asn278Ser (NM_001160227.2); short protein forms N278S.
Identifiers: ClinVar variation 316111 (VCV000316111.30), dbSNP rs75309308, ClinGen allele CA7535709.

ClinVar aggregate classification (germline): Benign/Likely benign. Review status: criteria provided, multiple submitters, no conflicts (2 of 4 stars). 15 submissions from 13 submitters: Benign (5); Likely benign (5). 5 of the submissions do not count toward it. Last evaluated 2026-02-04.

Conditions:
Hereditary spastic paraplegia. Also called: Familial spastic paraparesis. Identifiers: Orphanet 685, MedGen C0037773, MONDO:0019064. Disease mechanism: loss of function.
Hereditary spastic paraplegia 11. Also called: Spastic Paraplegia 11; Nakamura Osame syndrome; Autosomal recessive hereditary spastic paraplegia, mental impairment, and thin corpus callosum; SPASTIC PARAPLEGIA, AUTOSOMAL RECESSIVE, COMPLICATED, WITH THIN CORPUS CALLOSUM; SPASTIC PARAPLEGIA, AUTOSOMAL RECESSIVE, WITH MENTAL IMPAIRMENT AND THIN CORPUS CALLOSUM; Spastic paraplegia, mental retardation and thin corpus callosum. Identifiers: Orphanet 2822, MedGen C1858479, MONDO:0011445, OMIM 604360.
SPG11-related disorder. Also called: SPG11-related condition.
Amyotrophic lateral sclerosis type 5 (ALS5). Also called: AMYOTROPHIC LATERAL SCLEROSIS 5, JUVENILE. Identifiers: Orphanet 300605, MedGen C1865864, MONDO:0011196, OMIM 602099.
Charcot-Marie-Tooth disease axonal type 2X. Also called: CHARCOT-MARIE-TOOTH DISEASE, AXONAL, AUTOSOMAL RECESSIVE, TYPE 2X; CHARCOT-MARIE-TOOTH NEUROPATHY, TYPE 2X. Identifiers: Orphanet 466775, MedGen C5569024, MONDO:0014726, OMIM 616668.

Allele frequency attached by ClinVar (database versions not stated): 1000 Genomes Project 0.02196; ESP Exome Variant Server 0.00038; TOPMed 0.00677; 1000 Genomes Project 30x 0.01952.

Submissions (19):

Labcorp Genetics (formerly Invitae), Labcorp
Classification: Benign for Hereditary spastic paraplegia 11. Last evaluated: 2026-02-04. Review status: criteria provided, single submitter. Criteria: Invitae Variant Classification Sherloc (09022015). Collection method: clinical testing. Allele origin: germline.

Women's Health and Genetics/Laboratory Corporation of America, LabCorp
Classification: Likely benign. Last evaluated: 2022-02-18. Review status: criteria provided, single submitter. Criteria: LabCorp Variant Classification Summary - May 2015. Collection method: clinical testing. Allele origin: germline.

Genome Diagnostics Laboratory, The Hospital for Sick Children
Classification: Benign for Hereditary spastic paraplegia. Last evaluated: 2021-11-18. Review status: criteria provided, single submitter. Criteria: ACMG Guidelines, 2015. Collection method: clinical testing. Allele origin: germline. Affected: yes.

GeneDx
Classification: Benign. Last evaluated: 2019-05-24. Review status: criteria provided, single submitter. Criteria: GeneDx Variant Classification Process June 2021. Collection method: clinical testing. Allele origin: germline. Affected: yes.
Comment: This variant is associated with the following publications: (PMID: 31182772)

Illumina Laboratory Services, Illumina
Classification: Benign for Hereditary spastic paraplegia 11. Last evaluated: 2018-01-13. Review status: criteria provided, single submitter. Criteria: ICSL Variant Classification Criteria 13 December 2019. Collection method: clinical testing. Allele origin: germline.
Comment: This variant was observed in the ICSL laboratory as part of a predisposition screen in an ostensibly healthy population. It had not been previously curated by ICSL or reported in the Human Gene Mutation Database (HGMD: prior to June 1st, 2018), and was therefore a candidate for classification through an automated scoring system. Utilizing variant allele frequency, disease prevalence and penetrance estimates, and inheritance mode, an automated score was calculated to assess if this variant is too frequent to cause the disease. Based on the score and internal cut-off values, a variant classified as benign is not then subjected to further curation. The score for this variant resulted in a classification of benign for this disease.

Mayo Clinic Laboratories, Mayo Clinic
Classification: Benign. Last evaluated: 2017-11-22. Review status: criteria provided, single submitter. Criteria: ACMG Guidelines, 2015. Collection method: clinical testing. Allele origin: germline. Observed: 9 variant alleles.

Breakthrough Genomics
Classification: Likely benign. Review status: criteria provided, single submitter. Criteria: ACMG Guidelines, 2015. Collection method: not provided. Allele origin: germline. Inheritance: Autosomal recessive inheritance. Affected: yes.

Genome-Nilou Lab
Classification: Likely benign for Amyotrophic lateral sclerosis type 5. Review status: criteria provided, single submitter. Criteria: ACMG Guidelines, 2015. Collection method: clinical testing. Allele origin: germline.

Genome-Nilou Lab
Classification: Likely benign for Charcot-Marie-Tooth disease axonal type 2X. Review status: criteria provided, single submitter. Criteria: ACMG Guidelines, 2015. Collection method: clinical testing. Allele origin: germline.

Genome-Nilou Lab
Classification: Likely benign for Hereditary spastic paraplegia 11. Review status: criteria provided, single submitter. Criteria: ACMG Guidelines, 2015. Collection method: clinical testing. Allele origin: germline.

PreventionGenetics, part of Exact Sciences
Classification: Benign for SPG11-related condition. Last evaluated: 2019-10-22. Review status: no assertion criteria provided. Collection method: clinical testing. Allele origin: germline. Not counted in ClinVar's aggregate classification.
Comment: This variant is classified as benign based on ACMG/AMP sequence variant interpretation guidelines (Richards et al. 2015 PMID: 25741868, with internal and published modifications).

Clinical Genetics, Academic Medical Center
Classification: Benign. Review status: no assertion criteria provided. Collection method: clinical testing. Allele origin: germline. Affected: yes. Study: VKGL Data-share Consensus. Not counted in ClinVar's aggregate classification.

Dr. Peter K. Rogan Lab, Western University
No classification provided (evidence only). Condition: Familial cancer of breast. Review status: no classification provided. Collection method: in vitro. Allele origin: not applicable. Functional consequence: retained intron. Not counted in ClinVar's aggregate classification.

Dr. Peter K. Rogan Lab, Western University
No classification provided (evidence only). Condition: Uterine corpus endometrial carcinoma. Review status: no classification provided. Collection method: in vitro. Allele origin: not applicable. Functional consequence: retained intron. Not counted in ClinVar's aggregate classification.

Dr. Peter K. Rogan Lab, Western University
No classification provided (evidence only). Condition: Cervical cancer. Review status: no classification provided. Collection method: in vitro. Allele origin: not applicable. Functional consequence: retained intron. Not counted in ClinVar's aggregate classification.

Dr. Peter K. Rogan Lab, Western University
No classification provided (evidence only). Condition: Malignant lymphoma, large B-cell, diffuse. Review status: no classification provided. Collection method: in vitro. Allele origin: not applicable. Functional consequence: retained intron. Not counted in ClinVar's aggregate classification.

Genome Diagnostics Laboratory, Amsterdam University Medical Center
Classification: Likely benign. Review status: no assertion criteria provided. Collection method: clinical testing. Allele origin: germline. Affected: yes. Study: VKGL Data-share Consensus. Not counted in ClinVar's aggregate classification.

Genome Diagnostics Laboratory, University Medical Center Utrecht
Classification: Likely benign. Review status: no assertion criteria provided. Collection method: clinical testing. Allele origin: germline. Affected: yes. Study: VKGL Data-share Consensus. Not counted in ClinVar's aggregate classification.

Yunnan Provincial Key Laboratory of  Clinical Virology, Institution of Basic and Clinical Medicine of Yunnan Province, The First People's Hospital of Yunnan Province
Classification: Affects for Hereditary spastic paraplegia 11. Review status: no assertion criteria provided. Collection method: research. Allele origin: germline. Affected: yes. Observed: 9 variant alleles. Not counted in ClinVar's aggregate classification.